The following is an entry in ClinVar:

NM_024675.4(PALB2):c.938G>A (p.Gly313Asp)

Gene: PALB2 (partner and localizer of BRCA2; minus strand). Cytogenetic location: 16p12.2.
Variant type: single nucleotide variant.
Coding change: c.938G>A on transcript NM_024675.4 (MANE Select); coding-DNA position 938, G replaced by A.
Protein change: p.Gly313Asp; replaces glycine 313 with aspartic acid.
Molecular consequence: missense variant.
Genome position (GRCh38, 1-based): chr16:23,635,608, C>T on the plus strand (G>A on the coding strand, the complement: PALB2 is on the minus strand). VCF-style: chr16-23635608-C-T. GRCh37 (hg19) VCF-style: chr16-23646929-C-T.
Other names: short protein forms G313D.
Identifiers: ClinVar variation 580823 (VCV000580823.12), dbSNP rs1555461531, ClinGen allele CA395135187.

ClinVar aggregate classification (germline): Conflicting classifications of pathogenicity. Review status: criteria provided, conflicting classifications (1 of 4 stars). 2 submissions from 2 submitters: Uncertain significance (1); Likely benign (1). Last evaluated 2025-08-13.

Conditions:
Hereditary cancer-predisposing syndrome. Also called: Neoplastic Syndromes, Hereditary; Tumor predisposition; Hereditary neoplastic syndrome; Hereditary Cancer Syndrome. Identifiers: Orphanet 140162, MedGen C0027672, MeSH D009386, MONDO:0015356.
Familial cancer of breast. Also called: BREAST CANCER, FAMILIAL; hereditary breast carcinoma; Hereditary breast cancer. Identifiers: Orphanet 227535, MedGen C0346153, MONDO:0016419, OMIM 114480. Disease mechanism: loss of function.

Submissions (2):

Labcorp Genetics (formerly Invitae), Labcorp
Classification: Uncertain significance for Familial cancer of breast. Last evaluated: 2025-08-13. Review status: criteria provided, single submitter. Criteria: Invitae Variant Classification Sherloc (09022015). Collection method: clinical testing. Allele origin: germline.
Comment: This sequence change replaces glycine, which is neutral and non-polar, with aspartic acid, which is acidic and polar, at codon 313 of the PALB2 protein (p.Gly313Asp). This variant is not present in population databases (gnomAD no frequency). This variant has not been reported in the literature in individuals affected with PALB2-related conditions. ClinVar contains an entry for this variant (Variation ID: 580823). Invitae Evidence Modeling of protein sequence and biophysical properties (such as structural, functional, and spatial information, amino acid conservation, physicochemical variation, residue mobility, and thermodynamic stability) indicates that this missense variant is not expected to disrupt PALB2 protein function with a negative predictive value of 80%. In summary, the available evidence is currently insufficient to determine the role of this variant in disease. Therefore, it has been classified as a Variant of Uncertain Significance.

Ambry Genetics
Classification: Likely benign for Hereditary cancer-predisposing syndrome. Last evaluated: 2025-03-22. Review status: criteria provided, single submitter. Criteria: Ambry Variant Classification Scheme 2023. Collection method: clinical testing. Allele origin: germline.